The following is an entry in ClinVar:

NM_005996.4(TBX3):c.889C>G (p.Leu297Val)

Gene: TBX3 (T-box transcription factor 3; minus strand). Cytogenetic location: 12q24.21.
Variant type: single nucleotide variant.
Coding change: c.889C>G on transcript NM_005996.4 (MANE Select); coding-DNA position 889, C replaced by G.
Protein change: p.Leu297Val; replaces leucine 297 with valine.
Molecular consequence: missense variant.
Genome position (GRCh38, 1-based): chr12:114,676,463, G>C on the plus strand (C>G on the coding strand, the complement: TBX3 is on the minus strand). VCF-style: chr12-114676463-G-C. GRCh37 (hg19) VCF-style: chr12-115114268-G-C.
Other names: c.949C>G, p.Leu317Val (NM_016569.4); short protein forms L297V, L317V.
Identifiers: ClinVar variation 3349301 (VCV003349301.1).

ClinVar aggregate classification (germline): Uncertain significance (0 of 4 stars; one submission).

Conditions:
TBX3-related disorder. Also called: TBX3-related condition.

Submission:

PreventionGenetics, part of Exact Sciences
Classification: Uncertain significance for TBX3-related condition. Last evaluated: 2024-02-20. Review status: no assertion criteria provided. Collection method: clinical testing. Allele origin: germline.
Comment: The TBX3 c.949C>G variant is predicted to result in the amino acid substitution p.Leu317Val. To our knowledge, this variant has not been reported in the literature or in a large population database, indicating this variant is rare. At this time, the clinical significance of this variant is uncertain due to the absence of conclusive functional and genetic evidence.